The following is an entry in ClinVar:

NM_017780.4(CHD7):c.733A>G (p.Met245Val)

Gene: CHD7 (chromodomain helicase DNA binding protein 7; plus strand). Cytogenetic location: 8q12.2.
Variant type: single nucleotide variant.
Coding change: c.733A>G on transcript NM_017780.4 (MANE Select); coding-DNA position 733, A replaced by G.
Protein change: p.Met245Val; replaces methionine 245 with valine.
Molecular consequence: missense variant.
Genome position (GRCh38, 1-based): chr8:60,742,165, A>G. VCF-style: chr8-60742165-A-G. GRCh37 (hg19) VCF-style: chr8-61654724-A-G.
Other names: c.733A>G, p.Met245Val (NM_001316690.1); c.733A>G (NM_017780.3); short protein forms M245V.
Identifiers: ClinVar variation 1313864 (VCV001313864.6), dbSNP rs768507639, ClinGen allele CA4759368.

ClinVar aggregate classification (germline): Conflicting classifications of pathogenicity. Review status: criteria provided, conflicting classifications (1 of 4 stars). 3 submissions from 3 submitters: Uncertain significance (2); Benign (1). Last evaluated 2024-05-06.

Conditions:
CHD7-related disorder. Also called: CHD7-related condition.
CHARGE syndrome (CHARGE). Also called: Hittner Hirsch Kreh syndrome; CHARGE ASSOCIATION--COLOBOMA, HEART ANOMALY, CHOANAL ATRESIA, RETARDATION, GENITAL AND EAR ANOMALIES; Coloboma, heart anomaly, choanal atresia, retardation, genital and ear anomalies; CHARGE association; Hall-Hittner syndrome. Identifiers: Orphanet 138, MedGen C0265354, MONDO:0008965.

Allele frequency attached by ClinVar (database versions not stated): gnomAD exomes below 0.00001 and 0.00001; TOPMed below 0.00001; ExAC 0.00001; gnomAD 0.00001.
gnomAD v4.1: 18 of 1,613,778 alleles (0.0011%); highest among the groups gnomAD compares: East Asian, 0.018%; no homozygotes.

Submissions (3):

Labcorp Genetics (formerly Invitae), Labcorp
Classification: Benign for CHARGE syndrome. Last evaluated: 2024-05-06. Review status: criteria provided, single submitter. Criteria: Invitae Variant Classification Sherloc (09022015). Collection method: clinical testing. Allele origin: germline.

PreventionGenetics, part of Exact Sciences
Classification: Uncertain significance for CHD7-related condition. Last evaluated: 2023-09-08. Review status: criteria provided, single submitter. Criteria: ACMG Guidelines, 2015. Collection method: clinical testing. Allele origin: germline.
Comment: The CHD7 c.733A>G variant is predicted to result in the amino acid substitution p.Met245Val. To our knowledge, this variant has not been reported in the literature. This variant is reported in 0.0056% of alleles in individuals of East Asian descent in gnomAD. At this time, the clinical significance of this variant is uncertain due to the absence of conclusive functional and genetic evidence.

GeneDx
Classification: Uncertain significance. Last evaluated: 2021-01-11. Review status: criteria provided, single submitter. Criteria: GeneDx Variant Classification Process June 2021. Collection method: clinical testing. Allele origin: germline. Affected: yes.
Comment: Not observed at a significant frequency in large population cohorts (Lek et al., 2016); In silico analysis supports that this missense variant does not alter protein structure/function; Has not been previously published as pathogenic or benign to our knowledge